The following is an entry in ClinVar:

ClinVar aggregate classification (germline): Uncertain significance (1 of 4 stars; one submission).

Conditions:
Progressive myoclonic epilepsy type 5. Identifiers: Orphanet 402082, MedGen C5190799.

Allele frequency attached by ClinVar (database versions not stated): gnomAD exomes below 0.00001; TOPMed below 0.00001.
gnomAD v4.1: 1 of 1,609,324 alleles (0.000062%); highest among the groups gnomAD compares: Non-Finnish European, 0.000085%; no homozygotes.

Submission:

Labcorp Genetics (formerly Invitae), Labcorp
Classification: Uncertain significance for Progressive myoclonic epilepsy type 5. Last evaluated: 2023-07-17. Review status: criteria provided, single submitter. Criteria: Invitae Variant Classification Sherloc (09022015). Collection method: clinical testing. Allele origin: germline.
Comment: This sequence change replaces serine, which is neutral and polar, with asparagine, which is neutral and polar, at codon 414 of the PRICKLE2 protein (p.Ser414Asn). This variant is not present in population databases (gnomAD no frequency). This variant has not been reported in the literature in individuals affected with PRICKLE2-related conditions. ClinVar contains an entry for this variant (Variation ID: 972378). Advanced modeling of protein sequence and biophysical properties (such as structural, functional, and spatial information, amino acid conservation, physicochemical variation, residue mobility, and thermodynamic stability) performed at Invitae indicates that this missense variant is not expected to disrupt PRICKLE2 protein function. In summary, the available evidence is currently insufficient to determine the role of this variant in disease. Therefore, it has been classified as a Variant of Uncertain Significance.

NM_198859.4(PRICKLE2):c.1241G>A (p.Ser414Asn)

Gene: PRICKLE2 (prickle planar cell polarity protein 2; minus strand). Cytogenetic location: 3p14.1.
Variant type: single nucleotide variant.
Coding change: c.1241G>A on transcript NM_198859.4 (MANE Select); coding-DNA position 1241, G replaced by A.
Protein change: p.Ser414Asn; replaces serine 414 with asparagine.
Molecular consequence: missense variant.
Genome position (GRCh38, 1-based): chr3:64,147,249, C>T on the plus strand (G>A on the coding strand, the complement: PRICKLE2 is on the minus strand). VCF-style: chr3-64147249-C-T. GRCh37 (hg19) VCF-style: chr3-64132925-C-T.
Other names: c.1241G>A, p.Ser414Asn (NM_001370528.1); short protein forms S414N.
Identifiers: ClinVar variation 972378 (VCV000972378.7), dbSNP rs2077471786, ClinGen allele CA353430438.